The following is an entry in ClinVar:

NM_014679.5(CEP57):c.564A>C (p.Lys188Asn)

Gene: CEP57 (centrosomal protein 57; plus strand). Cytogenetic location: 11q21.
Variant type: single nucleotide variant.
Coding change: c.564A>C on transcript NM_014679.5 (MANE Select); coding-DNA position 564, A replaced by C.
Protein change: p.Lys188Asn; replaces lysine 188 with asparagine.
Molecular consequence: missense variant. On other transcripts: intron variant (7).
Genome position (GRCh38, 1-based): chr11:95,817,846, A>C. VCF-style: chr11-95817846-A-C. GRCh37 (hg19) VCF-style: chr11-95551010-A-C.
Other names: c.537A>C, p.Lys179Asn (NM_001243776.2); c.564A>C, p.Lys188Asn (NM_001243777.2, NM_001440871.1, NM_001440874.1); c.483A>C, p.Lys161Asn (NM_001363604.2, NM_001440869.1, NM_001440870.1 and 1 more transcripts); c.384A>C, p.Lys128Asn (NM_001440873.1); c.303A>C, p.Lys101Asn (NM_001440880.1); c.424-981A>C (NM_001440877.1, NM_001440878.1); c.505-981A>C (NM_001440872.1, NM_001440876.1, NM_001440879.1 and 1 more transcripts); c.325-981A>C (NM_001440881.1); short protein forms K188N, K101N, K161N, K179N, K128N.
Identifiers: ClinVar variation 4826382 (VCV004826382.1).

ClinVar aggregate classification (germline): Uncertain significance (1 of 4 stars; one submission).

Conditions:
Inborn genetic diseases. Identifiers: MedGen C0950123, MeSH D030342.

Submission:

Ambry Genetics
Classification: Uncertain significance for Inborn genetic diseases. Last evaluated: 2026-02-27. Review status: criteria provided, single submitter. Criteria: Ambry Variant Classification Scheme 2023. Collection method: clinical testing. Allele origin: germline.
Comment: The p.K188N variant (also known as c.564A>C), located in coding exon 5 of the CEP57 gene, results from an A to C substitution at nucleotide position 564. The lysine at codon 188 is replaced by asparagine, an amino acid with similar properties. This amino acid position is conserved. In addition, the in silico prediction for this alteration is inconclusive. Based on the available evidence, the clinical significance of this variant remains unclear.